The following is an entry in ClinVar:

NM_000090.4(COL3A1):c.1149+1G>A

Gene: COL3A1 (collagen type III alpha 1 chain; plus strand). Cytogenetic location: 2q32.2.
Variant type: single nucleotide variant.
Coding change: c.1149+1G>A on transcript NM_000090.4 (MANE Select); the canonical splice donor site of the intron after coding-DNA position 1149, G replaced by A.
Molecular consequence: splice donor variant.
Genome position (GRCh38, 1-based): chr2:188,993,460, G>A. VCF-style: chr2-188993460-G-A. GRCh37 (hg19) VCF-style: chr2-189858186-G-A.
Other names: IVS16DS, G-A, +1.
Identifiers: ClinVar variation 17203 (VCV000017203.10), dbSNP rs587779443, ClinGen allele CA004082.
Genomic context (GRCh38, chr2:188,993,460, plus strand): 5'-GCCCCTGGACAAAGAGGAGAACCTGGACCTCAGGGACACGCTGGTGCTCAAGGTCCTCCT[G>A]TAAGTATCATAGTTGAGAGGGAGTAAGCATAGTTTCATGCTTACTCCATGAAAGCATAGT-3'

ClinVar aggregate classification (germline): Pathogenic. Review status: criteria provided, single submitter (1 of 4 stars). 3 submissions from 3 submitters: Pathogenic (1). 2 of the submissions do not count toward it. Last evaluated 2017-03-19.

Conditions:
Ehlers-Danlos syndrome, type 4 (EDSVASC). Also called: Ehlers-Danlos syndrome vascular type; Ehlers Danlos syndrome, ecchymotic type; Ehlers Danlos syndrome, arterial type; Ehlers Danlos syndrome, Sack-Barabas type; Ehlers-Danlos Syndrome Type IV. Identifiers: Orphanet 286, MedGen C0268338, MONDO:0017314, OMIM 130050.

Submissions (3):

Labcorp Genetics (formerly Invitae), Labcorp
Classification: Pathogenic for Ehlers-Danlos syndrome, type 4. Last evaluated: 2017-03-19. Review status: criteria provided, single submitter. Criteria: Invitae Variant Classification Sherloc (09022015). Collection method: clinical testing. Allele origin: germline.
Comment: This variant has been reported in the literature in individuals with a COL3A1-related disease (PMID: 2365710, 9399899). This variant is also known in the literature as IVS17+1G>A. ClinVar contains an entry for this variant (Variation ID: 17203). For these reasons, this variant has been classified as Pathogenic. Experimental studies have shown that this variant leads to the in-frame skipping of COL3A1 exon 16, that codes for 11 Gly-X-Y motifs of the triple helix (TH) domain of the protein (PMID: 2365710, 9399899). In-frame skipping of exons that code for portions of the TH domain are a well known cause of vascular Ehlers-Danlos syndrome (PMID: 9399899, 24922459). This sequence change affects a donor splice site in intron 16 of the COL3A1 gene. It is expected to disrupt RNA splicing and likely results in an absent or disrupted protein product.

OMIM
Classification: Pathogenic for EHLERS-DANLOS SYNDROME, VASCULAR TYPE. Last evaluated: 1990-07-15. Review status: no assertion criteria provided. Collection method: literature only. Allele origin: germline. Not counted in ClinVar's aggregate classification.

Collagen Diagnostic Laboratory, University of Washington
Classification: Pathogenic for Ehlers-Danlos syndrome, type 4. Review status: no assertion criteria provided. Collection method: clinical testing. Allele origin: germline. Affected: yes. Not counted in ClinVar's aggregate classification.

Literature cited by the submitters: PubMed 2365710 (cited by Labcorp Genetics (formerly Invitae), Labcorp and OMIM); PubMed 9399899 (cited by Labcorp Genetics (formerly Invitae), Labcorp and Collagen Diagnostic Laboratory, University of Washington); PubMed 24922459 (cited by Labcorp Genetics (formerly Invitae), Labcorp); PubMed 10706896 (cited by Collagen Diagnostic Laboratory, University of Washington).